The following is an entry in ClinVar:

NM_001199107.2(TBC1D24):c.1320G>T (p.Gln440His)

Gene: TBC1D24 (TBC1 domain family member 24; plus strand). Cytogenetic location: 16p13.3.
Variant type: single nucleotide variant.
Coding change: c.1320G>T on transcript NM_001199107.2 (MANE Select); coding-DNA position 1320, G replaced by T.
Protein change: p.Gln440His; replaces glutamine 440 with histidine.
Molecular consequence: missense variant.
Genome position (GRCh38, 1-based): chr16:2,500,285, G>T. VCF-style: chr16-2500285-G-T. GRCh37 (hg19) VCF-style: chr16-2550286-G-T.
Other names: c.1302G>T, p.Gln434His (NM_020705.3); short protein forms Q434H, Q440H.
Identifiers: ClinVar variation 3750451 (VCV003750451.2).
Genomic context (GRCh38, chr16:2,500,285, plus strand): 5'-GCGAACGCCCGCGCCAGCTCCTCACACTCCCCTTCCACCCCAGCTGCAGCCTGAGGTGCA[G>T]CGCTACGAGTGGGTGGTGATCAAGCACCCCGAGCTGACCAAGCCCCCACCCTTGATGGCT-3'
Protein context (NP_001186036.1, residues 430-450): CFVFRLQPEV[Gln440His]RYEWVVIKHP

ClinVar aggregate classification (germline): Uncertain significance (1 of 4 stars; one submission).

Conditions:
Autosomal dominant nonsyndromic hearing loss 65. Also called: Deafness, autosomal dominant 65; TBC1D24-Related Autosomal Dominant Nonsyndromic Hearing Loss (DFNA). Identifiers: Orphanet 90635, MedGen C3892048, MONDO:0014470, OMIM 616044.
Developmental and epileptic encephalopathy, 1 (DEE1). Also called: INFANTILE SPASM SYNDROME, X-LINKED 1; X-linked infantile spasms; West's syndrome; Tonic spasms with clustering, arrest of psychomotor development and hypsarrhythmia on EEG; X-Linked Infantile Spasm Syndrome; OHTAHARA SYNDROME, X-LINKED. Identifiers: MedGen C3463992, MONDO:0010632, OMIM 308350. Disease mechanism: loss of function.

gnomAD v4.1: 4 of 1,607,526 alleles (0.00025%); highest among the groups gnomAD compares: Non-Finnish European, 0.00034%; no homozygotes.

Submission:

Labcorp Genetics (formerly Invitae), Labcorp
Classification: Uncertain significance for Developmental and epileptic encephalopathy, 1; Autosomal dominant nonsyndromic hearing loss 65. Last evaluated: 2024-07-24. Review status: criteria provided, single submitter. Criteria: Invitae Variant Classification Sherloc (09022015). Collection method: clinical testing. Allele origin: germline.
Comment: This sequence change replaces glutamine, which is neutral and polar, with histidine, which is basic and polar, at codon 440 of the TBC1D24 protein (p.Gln440His). This variant is not present in population databases (gnomAD no frequency). This variant has not been reported in the literature in individuals affected with TBC1D24-related conditions. Advanced modeling of protein sequence and biophysical properties (such as structural, functional, and spatial information, amino acid conservation, physicochemical variation, residue mobility, and thermodynamic stability) performed at Invitae indicates that this missense variant is not expected to disrupt TBC1D24 protein function with a negative predictive value of 80%. In summary, the available evidence is currently insufficient to determine the role of this variant in disease. Therefore, it has been classified as a Variant of Uncertain Significance.